The following is an entry in ClinVar:

NM_001005242.3(PKP2):c.720G>A (p.Leu240=)

Gene: PKP2 (plakophilin 2; minus strand). Cytogenetic location: 12p11.21.
Variant type: single nucleotide variant.
Coding change: c.720G>A on transcript NM_001005242.3 (MANE Select); coding-DNA position 720, G replaced by A.
Protein change: p.Leu240=; no amino-acid change (leucine 240 retained).
Molecular consequence: synonymous variant.
Genome position (GRCh38, 1-based): chr12:32,878,160, C>T on the plus strand (G>A on the coding strand, the complement: PKP2 is on the minus strand). VCF-style: chr12-32878160-C-T. GRCh37 (hg19) VCF-style: chr12-33031094-C-T.
Other names: c.720G>A, p.Leu240= (NM_004572.4).
Identifiers: ClinVar variation 382814 (VCV000382814.11), dbSNP rs777567315, ClinGen allele CA038490.

ClinVar aggregate classification (germline): Likely benign. Review status: criteria provided, multiple submitters, no conflicts (2 of 4 stars). 3 submissions from 3 submitters: Likely benign (3). Last evaluated 2026-01-04.

Conditions:
Arrhythmogenic right ventricular dysplasia 9 (ARVD9). Also called: Arrhythmogenic Right Ventricular Dysplasia/Cardiomyopathy 9; ARRHYTHMOGENIC RIGHT VENTRICULAR DYSPLASIA, FAMILIAL, 9. Identifiers: MedGen C1836906, MONDO:0012180, OMIM 609040.
Cardiomyopathy (CMYO). Also called: Cardiomyopathies. Identifiers: Orphanet 167848, MedGen C0878544, MONDO:0004994, HP:0001638. Inheritance: Various modes of inheritance.

Allele frequency attached by ClinVar (database versions not stated): ExAC 0.00001; gnomAD 0.00001; TOPMed 0.00001; gnomAD exomes below 0.00001.
gnomAD v4.1: 4 of 1,614,116 alleles (0.00025%); highest among the groups gnomAD compares: South Asian, 0.0033%; no homozygotes.

Submissions (3):

Labcorp Genetics (formerly Invitae), Labcorp
Classification: Likely benign for Arrhythmogenic right ventricular dysplasia 9. Last evaluated: 2026-01-04. Review status: criteria provided, single submitter. Criteria: Invitae Variant Classification Sherloc (09022015). Collection method: clinical testing. Allele origin: germline.

Color Diagnostics, LLC DBA Color Health
Classification: Likely benign for Cardiomyopathy. Last evaluated: 2018-11-27. Review status: criteria provided, single submitter. Criteria: ACMG Guidelines, 2015. Collection method: clinical testing. Allele origin: germline.

GeneDx
Classification: Likely benign. Last evaluated: 2016-01-05. Review status: criteria provided, single submitter. Criteria: GeneDx Variant Classification (06012015). Collection method: clinical testing. Allele origin: germline. Affected: yes.
Comment: This variant is considered likely benign or benign based on one or more of the following criteria: it is a conservative change, it occurs at a poorly conserved position in the protein, it is predicted to be benign by multiple in silico algorithms, and/or has population frequency not consistent with disease.